The following is an entry in ClinVar:

ClinVar aggregate classification (germline): Uncertain significance (1 of 4 stars; one submission).

Conditions:
Dilated cardiomyopathy 1Z (CMD1Z). Identifiers: Orphanet 154, MedGen C2678475, MONDO:0012745, OMIM 611879.
Hypertrophic cardiomyopathy 13. Also called: TNNC1-Related Familial Hypertrophic Cardiomyopathy. Identifiers: MedGen C2750472, MONDO:0013195, OMIM 613243.

Submission:

Labcorp Genetics (formerly Invitae), Labcorp
Classification: Uncertain significance for Hypertrophic cardiomyopathy 13; Dilated cardiomyopathy 1Z. Last evaluated: 2020-07-22. Review status: criteria provided, single submitter. Criteria: Invitae Variant Classification Sherloc (09022015). Collection method: clinical testing. Allele origin: germline.
Comment: Algorithms developed to predict the effect of missense changes on protein structure and function are either unavailable or do not agree on the potential impact of this missense change (SIFT: "Deleterious"; PolyPhen-2: "Probably Damaging"; Align-GVGD: "Class C15"). This variant has not been reported in the literature in individuals with TNNC1-related conditions. This variant is not present in population databases (ExAC no frequency). This sequence change replaces glycine with aspartic acid at codon 42 of the TNNC1 protein (p.Gly42Asp). The glycine residue is highly conserved and there is a moderate physicochemical difference between glycine and aspartic acid. In summary, the available evidence is currently insufficient to determine the role of this variant in disease. Therefore, it has been classified as a Variant of Uncertain Significance.

NM_003280.3(TNNC1):c.125G>A (p.Gly42Asp)

Gene: TNNC1 (troponin C1, slow skeletal and cardiac type; minus strand). Cytogenetic location: 3p21.1.
Variant type: single nucleotide variant.
Coding change: c.125G>A on transcript NM_003280.3 (MANE Select); coding-DNA position 125, G replaced by A.
Protein change: p.Gly42Asp; replaces glycine 42 with aspartic acid.
Molecular consequence: missense variant.
Genome position (GRCh38, 1-based): chr3:52,452,183, C>T on the plus strand (G>A on the coding strand, the complement: TNNC1 is on the minus strand). VCF-style: chr3-52452183-C-T. GRCh37 (hg19) VCF-style: chr3-52486199-C-T.
Other names: short protein forms G42D.
Identifiers: ClinVar variation 1015264 (VCV001015264.5), dbSNP rs1706339623, ClinGen allele CA353168891.